The following is an entry in ClinVar:

ClinVar aggregate classification (germline): Uncertain significance (1 of 4 stars; one submission).

Submission:

Labcorp Genetics (formerly Invitae), Labcorp
Classification: Uncertain significance. Last evaluated: 2025-03-18. Review status: criteria provided, single submitter. Criteria: Invitae Variant Classification Sherloc (09022015). Collection method: clinical testing. Allele origin: germline.
Comment: This sequence change replaces glutamic acid, which is acidic and polar, with lysine, which is basic and polar, at codon 237 of the AASS protein (p.Glu237Lys). This variant is not present in population databases (gnomAD no frequency). This variant has not been reported in the literature in individuals affected with AASS-related conditions. ClinVar contains an entry for this variant (Variation ID: 2012212). Invitae Evidence Modeling of protein sequence and biophysical properties (such as structural, functional, and spatial information, amino acid conservation, physicochemical variation, residue mobility, and thermodynamic stability) indicates that this missense variant is not expected to disrupt AASS protein function with a negative predictive value of 80%. In summary, the available evidence is currently insufficient to determine the role of this variant in disease. Therefore, it has been classified as a Variant of Uncertain Significance.

NM_005763.4(AASS):c.709G>A (p.Glu237Lys)

Gene: AASS (aminoadipate-semialdehyde synthase; minus strand). Cytogenetic location: 7q31.32.
Variant type: single nucleotide variant.
Coding change: c.709G>A on transcript NM_005763.4 (MANE Select); coding-DNA position 709, G replaced by A.
Protein change: p.Glu237Lys; replaces glutamic acid 237 with lysine.
Molecular consequence: missense variant.
Genome position (GRCh38, 1-based): chr7:122,116,936, C>T on the plus strand (G>A on the coding strand, the complement: AASS is on the minus strand). VCF-style: chr7-122116936-C-T. GRCh37 (hg19) VCF-style: chr7-121756990-C-T.
Other names: short protein forms E237K.
Identifiers: ClinVar variation 2012212 (VCV002012212.4), dbSNP rs760852526, ClinGen allele CA369019700.